The following is an entry in ClinVar:

ClinVar aggregate classification (germline): Uncertain significance (1 of 4 stars; one submission).

Conditions:
Duane-radial ray syndrome (DRRS). Also called: DR SYNDROME; DUANE ANOMALY WITH RADIAL RAY ABNORMALITIES AND DEAFNESS; Duane-Radial Ray Syndrome/Okihiro Syndrome; ACRORENOOCULAR SYNDROME; Okihiro Syndrome; Duane-Radial Ray Syndrome (DRRS) / Okihiro Syndrome. Identifiers: Orphanet 93293, Orphanet 959, MedGen C1623209, MONDO:0011812, OMIM 607323. Disease mechanism: gain of function.

Submission:

Labcorp Genetics (formerly Invitae), Labcorp
Classification: Uncertain significance for Duane-radial ray syndrome. Last evaluated: 2024-03-26. Review status: criteria provided, single submitter. Criteria: Invitae Variant Classification Sherloc (09022015). Collection method: clinical testing. Allele origin: germline.
Comment: This sequence change replaces arginine, which is basic and polar, with glutamine, which is neutral and polar, at codon 874 of the SALL4 protein (p.Arg874Gln). This variant is present in population databases (rs767816886, gnomAD 0.006%). This variant has not been reported in the literature in individuals affected with SALL4-related conditions. An algorithm developed to predict the effect of missense changes on protein structure and function (PolyPhen-2) suggests that this variant is likely to be tolerated. In summary, the available evidence is currently insufficient to determine the role of this variant in disease. Therefore, it has been classified as a Variant of Uncertain Significance.

NM_020436.5(SALL4):c.2621G>A (p.Arg874Gln)

Gene: SALL4 (spalt like transcription factor 4; minus strand). Cytogenetic location: 20q13.2.
Variant type: single nucleotide variant.
Coding change: c.2621G>A on transcript NM_020436.5 (MANE Select); coding-DNA position 2621, G replaced by A.
Protein change: p.Arg874Gln; replaces arginine 874 with glutamine.
Molecular consequence: missense variant.
Genome position (GRCh38, 1-based): chr20:51,788,982, C>T on the plus strand (G>A on the coding strand, the complement: SALL4 is on the minus strand). VCF-style: chr20-51788982-C-T. GRCh37 (hg19) VCF-style: chr20-50405521-C-T.
Other names: c.1310G>A, p.Arg437Gln (NM_001318031.2); short protein forms R437Q, R874Q.
Identifiers: ClinVar variation 3613236 (VCV003613236.2).